The following is an entry in ClinVar:

NM_198578.4(LRRK2):c.5571del (p.Asp1858fs)

Gene: LRRK2 (leucine rich repeat kinase 2; plus strand). Cytogenetic location: 12q12.
Variant type: Deletion.
Coding change: c.5571del on transcript NM_198578.4 (MANE Select); coding-DNA position 5571, one base deleted (T; older notation c.5571delT).
Protein change: p.Asp1858fs; shifts the reading frame from aspartic acid 1858.
Molecular consequence: frameshift variant.
Genome position (GRCh38, 1-based): chr12:40,323,221, T deleted. VCF-style (leftmost placement, unchanged base first): chr12-40323220-CT-C. GRCh37 (hg19) VCF-style: chr12-40717022-CT-C.
Other names: short protein forms D1858fs.
Identifiers: ClinVar variation 2581833 (VCV002581833.1), dbSNP rs866401974, ClinGen allele CA235363817.

ClinVar aggregate classification (germline): Uncertain significance (1 of 4 stars; one submission).

Allele frequency attached by ClinVar (database versions not stated): gnomAD exomes below 0.00001; gnomAD 0.00002; TOPMed 0.00003; ESP Exome Variant Server 0.00008.

Submission:

GeneDx
Classification: Uncertain significance. Last evaluated: 2023-03-29. Review status: criteria provided, single submitter. Criteria: GeneDx Variant Classification Process June 2021. Collection method: clinical testing. Allele origin: germline. Affected: yes.
Comment: Not observed at significant frequency in large population cohorts (gnomAD); Frameshift variant predicted to result in protein truncation or nonsense mediated decay in a gene or region of a gene for which loss of function is not a well-established mechanism of disease; Has not been previously published as pathogenic or benign to our knowledge